The following is an entry in ClinVar:

ClinVar aggregate classification (germline): Uncertain significance (1 of 4 stars; one submission).

Conditions:
BAP1-related tumor predisposition syndrome (TPDS1). Also called: Tumor susceptibility linked to germline BAP1 mutations; BAP1 tumor predisposition syndrome; COMMON Syndrome; TUMOR PREDISPOSITION SYNDROME 1. Identifiers: Orphanet 289539, MedGen C3280492, MONDO:0013692, OMIM 614327.

Submission:

Labcorp Genetics (formerly Invitae), Labcorp
Classification: Uncertain significance for BAP1-related tumor predisposition syndrome. Last evaluated: 2024-02-18. Review status: criteria provided, single submitter. Criteria: Invitae Variant Classification Sherloc (09022015). Collection method: clinical testing. Allele origin: germline.
Comment: This sequence change replaces methionine, which is neutral and non-polar, with leucine, which is neutral and non-polar, at codon 165 of the BAP1 protein (p.Met165Leu). This variant is not present in population databases (gnomAD no frequency). This variant has not been reported in the literature in individuals affected with BAP1-related conditions. Advanced modeling of protein sequence and biophysical properties (such as structural, functional, and spatial information, amino acid conservation, physicochemical variation, residue mobility, and thermodynamic stability) has been performed at Invitae for this missense variant, however the output from this modeling did not meet the statistical confidence thresholds required to predict the impact of this variant on BAP1 protein function. In summary, the available evidence is currently insufficient to determine the role of this variant in disease. Therefore, it has been classified as a Variant of Uncertain Significance.

NM_004656.4(BAP1):c.493A>T (p.Met165Leu)

Gene: BAP1 (BRCA1 associated deubiquitinase 1; minus strand). Cytogenetic location: 3p21.1.
Variant type: single nucleotide variant.
Coding change: c.493A>T on transcript NM_004656.4 (MANE Select); coding-DNA position 493, A replaced by T.
Protein change: p.Met165Leu; replaces methionine 165 with leucine.
Molecular consequence: missense variant.
Genome position (GRCh38, 1-based): chr3:52,407,261, T>A on the plus strand (A>T on the coding strand, the complement: BAP1 is on the minus strand). VCF-style: chr3-52407261-T-A. GRCh37 (hg19) VCF-style: chr3-52441277-T-A.
Other names: c.493A>T, p.Met165Leu (NM_001410772.1); short protein forms M165L.
Identifiers: ClinVar variation 2999141 (VCV002999141.3), dbSNP rs2471350253, ClinGen allele CA353110071.